The following is an entry in ClinVar:

ClinVar aggregate classification (germline): Pathogenic (1 of 4 stars; one submission).

Conditions:
Hereditary hemorrhagic telangiectasia (HHT). Also called: Osler hemorrhagic telangiectasia syndrome; ORW DISEASE; Osler Weber Rendu syndrome; OSLER-RENDU-WEBER DISEASE. Identifiers: Orphanet 774, MedGen C0039445, MONDO:0019180. Disease mechanism: loss of function.

Submission:

Labcorp Genetics (formerly Invitae), Labcorp
Classification: Pathogenic for Hereditary hemorrhagic telangiectasia. Last evaluated: 2025-04-29. Review status: criteria provided, single submitter. Criteria: Invitae Variant Classification Sherloc (09022015). Collection method: clinical testing. Allele origin: germline.
Comment: This sequence change creates a premature translational stop signal (p.Gln472Argfs*19) in the ENG gene. It is expected to result in an absent or disrupted protein product. Loss-of-function variants in ENG are known to be pathogenic (PMID: 15879500). This variant is not present in population databases (gnomAD no frequency). This premature translational stop signal has been observed in individual(s) with hereditary hemorrhagic telangiectasia (PMID: 10625079, 15907823, 17384219). For these reasons, this variant has been classified as Pathogenic.

Literature cited by the submitters: PubMed 15879500; PubMed 10625079; PubMed 15907823; PubMed 17384219.

NM_001114753.3(ENG):c.1415_1417delinsGT (p.Gln472fs)

Genes: ENG (endoglin; minus strand), LOC102723566 (uncharacterized LOC102723566; plus strand). Cytogenetic location: 9q34.11.
Variant type: Indel.
Coding change: c.1415_1417delinsGT on transcript NM_001114753.3 (MANE Select); coding-DNA positions 1415 to 1417, AGA replaced by GT.
Protein change: p.Gln472fs; shifts the reading frame from glutamine 472.
Molecular consequence: frameshift variant.
Genome position (GRCh38, 1-based): chr9:127,818,727-127,818,729, TCT replaced by AC on the plus strand (AGA replaced by GT on the coding strand, the reverse complement: ENG is on the minus strand). VCF-style: chr9-127818727-TCT-AC. GRCh37 (hg19) VCF-style: chr9-130581006-TCT-AC.
Other names: c.1415_1417delAGAinsGT, p.Gln472Argfs (NM_000118.4); c.869_871delinsGT, p.Gln290fs (NM_001278138.2); short protein forms Q290fs, Q472fs.
Identifiers: ClinVar variation 528066 (VCV000528066.8), dbSNP rs1554809331, ClinGen allele CA658797289.